The following is an entry in ClinVar:

ClinVar aggregate classification (germline): Uncertain significance. Review status: criteria provided, multiple submitters, no conflicts (2 of 4 stars). 3 submissions from 3 submitters: Uncertain significance (3). Last evaluated 2025-06-11.

Conditions:
Hereditary cancer-predisposing syndrome. Also called: Neoplastic Syndromes, Hereditary; Hereditary Cancer Syndrome; Tumor predisposition; Hereditary neoplastic syndrome. Identifiers: Orphanet 140162, MedGen C0027672, MeSH D009386, MONDO:0015356.
Fanconi anemia complementation group O. Also called: RAD51C-Related Fanconi Anemia. Identifiers: Orphanet 84, MedGen C3150653, MONDO:0013248, OMIM 613390.
Breast-ovarian cancer, familial, susceptibility to, 3. Also called: RAD51C-Related Breast/Ovarian Cancer. Identifiers: Orphanet 145, MedGen C3150659, MONDO:0013253, OMIM 613399.

Submissions (3):

Labcorp Genetics (formerly Invitae), Labcorp
Classification: Uncertain significance for Fanconi anemia complementation group O. Last evaluated: 2025-06-11. Review status: criteria provided, single submitter. Criteria: Invitae Variant Classification Sherloc (09022015). Collection method: clinical testing. Allele origin: germline.
Comment: This sequence change replaces methionine, which is neutral and non-polar, with arginine, which is basic and polar, at codon 136 of the RAD51C protein (p.Met136Arg). This variant is not present in population databases (gnomAD no frequency). This variant has not been reported in the literature in individuals affected with RAD51C-related conditions. ClinVar contains an entry for this variant (Variation ID: 1438265). An algorithm developed to predict the effect of missense changes on protein structure and function (PolyPhen-2) suggests that this variant is likely to be disruptive. Algorithms developed to predict the effect of sequence changes on RNA splicing suggest that this variant may disrupt the consensus splice site. In summary, the available evidence is currently insufficient to determine the role of this variant in disease. Therefore, it has been classified as a Variant of Uncertain Significance.

Ambry Genetics
Classification: Uncertain significance for Hereditary cancer-predisposing syndrome. Last evaluated: 2024-10-06. Review status: criteria provided, single submitter. Criteria: Ambry Variant Classification Scheme 2023. Collection method: clinical testing. Allele origin: germline.
Comment: The p.M136R variant (also known as c.407T>G), located in coding exon 3 of the RAD51C gene, results from a T to G substitution at nucleotide position 407. The methionine at codon 136 is replaced by arginine, an amino acid with similar properties. This amino acid position is not well conserved in available vertebrate species. In addition, the in silico prediction for this alteration is inconclusive. Since supporting evidence is limited at this time, the clinical significance of this alteration remains unclear.

Baylor Genetics
Classification: Uncertain significance for Breast-ovarian cancer, familial, susceptibility to, 3. Last evaluated: 2023-09-06. Review status: criteria provided, single submitter. Criteria: ACMG Guidelines, 2015. Collection method: clinical testing. Allele origin: unknown.

NM_058216.3(RAD51C):c.407T>G (p.Met136Arg)

Gene: RAD51C (RAD51 paralog C; plus strand). Cytogenetic location: 17q22.
Variant type: single nucleotide variant.
Coding change: c.407T>G on transcript NM_058216.3 (MANE Select); coding-DNA position 407, T replaced by G.
Protein change: p.Met136Arg; replaces methionine 136 with arginine.
Molecular consequence: missense variant.
Genome position (GRCh38, 1-based): chr17:58,696,695, T>G. VCF-style: chr17-58696695-T-G. GRCh37 (hg19) VCF-style: chr17-56774056-T-G.
Other names: short protein forms M136R.
Identifiers: ClinVar variation 1438265 (VCV001438265.12), dbSNP rs2048021034, ClinGen allele CA400343675.
Genomic context (GRCh38, chr17:58,696,695, plus strand): 5'-AAAACACTACCTTAGATCATCATCATGATTTGGTTGTTTGTCATCTTTCTGTTGACAGTA[T>G]GCAGTTGGCAGTAGATGTGCAGATACCAGAATGTTTTGGAGGAGTGGCAGGTGAAGCAGT-3'
Protein context (NP_478123.1, residues 126-146): APGVGKTQLC[Met136Arg]QLAVDVQIPE